The following is an entry in ClinVar:

NM_206933.4(USH2A):c.1646G>A (p.Cys549Tyr)

Gene: USH2A (usherin; minus strand). Cytogenetic location: 1q41.
Variant type: single nucleotide variant.
Coding change: c.1646G>A on transcript NM_206933.4 (MANE Select); coding-DNA position 1646, G replaced by A.
Protein change: p.Cys549Tyr; replaces cysteine 549 with tyrosine.
Molecular consequence: missense variant.
Genome position (GRCh38, 1-based): chr1:216,292,369, C>T on the plus strand (G>A on the coding strand, the complement: USH2A is on the minus strand). VCF-style: chr1-216292369-C-T. GRCh37 (hg19) VCF-style: chr1-216465711-C-T.
Other names: c.1646G>A, p.Cys549Tyr (NM_007123.6); short protein forms C549Y.
Identifiers: ClinVar variation 2577593 (VCV002577593.2), dbSNP rs2528257183, ClinGen allele CA344903642.
Genomic context (GRCh38, chr1:216,292,369, plus strand): 5'-GCGTAAACTTGATCACCTTGGCGGAAAGGCTTGTCATTATAAAGAGGCAAGCAGCGATCA[C>T]ACTAGAACAAAAAATATCAGAACAGTAAAGAAAATAAAGCTGTGATTTTCTTTCATTTTA-3'
Protein context (NP_996816.3, residues 539-559): SQESFTEGLH[Cys549Tyr]DRCLPLYNDK

ClinVar aggregate classification (germline): Uncertain significance. Review status: criteria provided, multiple submitters, no conflicts (2 of 4 stars). 2 submissions from 2 submitters: Uncertain significance (2). Last evaluated 2023-10-01.

Conditions:
Retinal dystrophy. Also called: Inherited retinal dystrophy. Identifiers: Orphanet 71862, MedGen C0854723, MeSH D058499, MONDO:0019118, HP:0000556.

Submissions (2):

Dept Of Ophthalmology, Nagoya University
Classification: Uncertain significance for Retinal dystrophy. Last evaluated: 2023-10-01. Review status: criteria provided, single submitter. Criteria: Submitter's publication. Collection method: research. Allele origin: germline. Affected: yes.

GeneDx
Classification: Uncertain significance. Last evaluated: 2023-08-28. Review status: criteria provided, single submitter. Criteria: GeneDx Variant Classification Process June 2021. Collection method: clinical testing. Allele origin: germline. Affected: yes.
Comment: Not observed at significant frequency in large population cohorts (gnomAD); In silico analysis supports that this missense variant has a deleterious effect on protein structure/function; Has not been previously published as pathogenic or benign to our knowledge